The following is an entry in ClinVar:

NM_001349338.3(FOXP1):c.180+209T>C

Gene: FOXP1 (forkhead box P1; minus strand). Cytogenetic location: 3p13.
Variant type: single nucleotide variant.
Coding change: c.180+209T>C on transcript NM_001349338.3 (MANE Select); 209 bases into the intron after coding-DNA position 180, T replaced by C.
Molecular consequence: intron variant. On other transcripts: synonymous variant (1).
Genome position (GRCh38, 1-based): chr3:71,197,993, A>G on the plus strand (T>C on the coding strand, the complement: FOXP1 is on the minus strand). VCF-style: chr3-71197993-A-G. GRCh37 (hg19) VCF-style: chr3-71247144-A-G.
Other names: c.256T>C, p.Leu86= (NM_001012505.2); c.180+209T>C (NM_001244810.2, NM_032682.6, NM_001349340.3 and 5 more transcripts).
Identifiers: ClinVar variation 3049664 (VCV003049664.2), dbSNP rs773394339, ClinGen allele CA2491397.

ClinVar aggregate classification (germline): Likely benign (0 of 4 stars; one submission).

Conditions:
FOXP1-related disorder. Also called: FOXP1-related condition.

Allele frequency attached by ClinVar (database versions not stated): gnomAD 0.00001; gnomAD exomes 0.00001; ExAC 0.00002.
gnomAD v4.1: 17 of 1,614,066 alleles (0.0011%); highest among the groups gnomAD compares: South Asian, 0.015%; no homozygotes.

Submission:

PreventionGenetics, part of Exact Sciences
Classification: Likely benign for FOXP1-related condition. Last evaluated: 2022-03-14. Review status: no assertion criteria provided. Collection method: clinical testing. Allele origin: germline.
Comment: This variant is classified as likely benign based on ACMG/AMP sequence variant interpretation guidelines (Richards et al. 2015 PMID: 25741868, with internal and published modifications).